The following is an entry in ClinVar:

ClinVar aggregate classification (germline): Conflicting classifications of pathogenicity. Review status: criteria provided, conflicting classifications (1 of 4 stars). 2 submissions from 2 submitters: Uncertain significance (1); Likely benign (1). Last evaluated 2024-10-19.

gnomAD v4.1: 22 of 1,609,506 alleles (0.0014%); highest among the groups gnomAD compares: East Asian, 0.047%; no homozygotes.

Submissions (2):

Labcorp Genetics (formerly Invitae), Labcorp
Classification: Uncertain significance. Last evaluated: 2024-10-19. Review status: criteria provided, single submitter. Criteria: Invitae Variant Classification Sherloc (09022015). Collection method: clinical testing. Allele origin: germline.
Comment: This sequence change replaces asparagine, which is neutral and polar, with serine, which is neutral and polar, at codon 266 of the C1S protein (p.Asn266Ser). This variant is present in population databases (rs782751583, gnomAD 0.02%). This variant has not been reported in the literature in individuals affected with C1S-related conditions. Invitae Evidence Modeling of protein sequence and biophysical properties (such as structural, functional, and spatial information, amino acid conservation, physicochemical variation, residue mobility, and thermodynamic stability) indicates that this missense variant is not expected to disrupt C1S protein function with a negative predictive value of 80%. In summary, the available evidence is currently insufficient to determine the role of this variant in disease. Therefore, it has been classified as a Variant of Uncertain Significance.

Blueprint Genetics
Classification: Likely benign. Last evaluated: 2019-09-11. Review status: criteria provided, single submitter. Criteria: ACMG Guidelines, 2015. Collection method: clinical testing. Allele origin: germline.

NM_001734.5(C1S):c.797A>G (p.Asn266Ser)

Gene: C1S (complement C1s; plus strand). Cytogenetic location: 12p13.31.
Variant type: single nucleotide variant.
Coding change: c.797A>G on transcript NM_001734.5 (MANE Select); coding-DNA position 797, A replaced by G.
Protein change: p.Asn266Ser; replaces asparagine 266 with serine.
Molecular consequence: missense variant.
Genome position (GRCh38, 1-based): chr12:7,065,896, A>G. VCF-style: chr12-7065896-A-G. GRCh37 (hg19) VCF-style: chr12-7173200-A-G.
Other names: c.296A>G, p.Asn99Ser (NM_001346850.2); c.797A>G, p.Asn266Ser (NM_201442.4); short protein forms N99S, N266S.
Identifiers: ClinVar variation 3692727 (VCV003692727.3).